The following is an entry in ClinVar:

ClinVar aggregate classification (germline): Uncertain significance. Review status: criteria provided, multiple submitters, no conflicts (2 of 4 stars). 2 submissions from 2 submitters: Uncertain significance (2). Last evaluated 2022-07-23.

Conditions:
Congenital stationary night blindness 1D. Also called: Night blindness, congenital stationary (complete), 1D, autosomal recessive. Identifiers: Orphanet 215, MedGen C3151193, MONDO:0013450, OMIM 613830.

Allele frequency attached by ClinVar (database versions not stated): gnomAD exomes below 0.00001; ExAC 0.00001; gnomAD 0.00001; TOPMed 0.00001.
gnomAD v4.1: 6 of 1,613,930 alleles (0.00037%); highest among the groups gnomAD compares: Non-Finnish European, 0.00042%; no homozygotes.

Submissions (2):

Labcorp Genetics (formerly Invitae), Labcorp
Classification: Uncertain significance. Last evaluated: 2022-07-23. Review status: criteria provided, single submitter. Criteria: Invitae Variant Classification Sherloc (09022015). Collection method: clinical testing. Allele origin: germline.
Comment: In summary, the available evidence is currently insufficient to determine the role of this variant in disease. Therefore, it has been classified as a Variant of Uncertain Significance. Algorithms developed to predict the effect of missense changes on protein structure and function (SIFT, PolyPhen-2, Align-GVGD) all suggest that this variant is likely to be disruptive. ClinVar contains an entry for this variant (Variation ID: 886462). This variant has not been reported in the literature in individuals affected with SLC24A1-related conditions. This variant is present in population databases (rs755476531, gnomAD 0.002%). This sequence change replaces leucine, which is neutral and non-polar, with valine, which is neutral and non-polar, at codon 481 of the SLC24A1 protein (p.Leu481Val).

Illumina Laboratory Services, Illumina
Classification: Uncertain significance for Congenital stationary night blindness 1D. Last evaluated: 2018-01-13. Review status: criteria provided, single submitter. Criteria: ICSL Variant Classification Criteria 13 December 2019. Collection method: clinical testing. Allele origin: germline.

NM_004727.3(SLC24A1):c.1441C>G (p.Leu481Val)

Gene: SLC24A1 (solute carrier family 24 member 1; plus strand). Cytogenetic location: 15q22.31.
Variant type: single nucleotide variant.
Coding change: c.1441C>G on transcript NM_004727.3 (MANE Select); coding-DNA position 1441, C replaced by G.
Protein change: p.Leu481Val; replaces leucine 481 with valine.
Molecular consequence: missense variant.
Genome position (GRCh38, 1-based): chr15:65,625,521, C>G. VCF-style: chr15-65625521-C-G. GRCh37 (hg19) VCF-style: chr15-65917859-C-G.
Other names: c.1441C>G, p.Leu481Val (NM_001301031.1, NM_001301032.1, NM_001301033.2); short protein forms L481V.
Identifiers: ClinVar variation 886462 (VCV000886462.8), dbSNP rs755476531, ClinGen allele CA7619906.